The following is an entry in ClinVar:

ClinVar aggregate classification (germline): Uncertain significance (1 of 4 stars; one submission).

Submission:

GeneDx
Classification: Uncertain significance. Last evaluated: 2024-09-06. Review status: criteria provided, single submitter. Criteria: GeneDx Variant Classification Process June 2021. Collection method: clinical testing. Allele origin: germline. Affected: yes.
Comment: Not observed at significant frequency in large population cohorts (gnomAD); In silico analysis supports that this missense variant has a deleterious effect on protein structure/function; Has not been previously published as pathogenic or benign to our knowledge.

NM_005027.4(PIK3R2):c.2044C>A (p.Pro682Thr)

Gene: PIK3R2 (phosphoinositide-3-kinase regulatory subunit 2; plus strand). Cytogenetic location: 19p13.11.
Variant type: single nucleotide variant.
Coding change: c.2044C>A on transcript NM_005027.4 (MANE Select); coding-DNA position 2044, C replaced by A.
Protein change: p.Pro682Thr; replaces proline 682 with threonine.
Molecular consequence: missense variant. On other transcripts: non-coding transcript variant (2).
Genome position (GRCh38, 1-based): chr19:18,169,151, C>A. VCF-style: chr19-18169151-C-A. GRCh37 (hg19) VCF-style: chr19-18279961-C-A.
Other names: short protein forms P682T.
Identifiers: ClinVar variation 3767406 (VCV003767406.1).